The following is an entry in ClinVar:

NM_001039591.3(USP9X):c.2877+6dup

Gene: USP9X (ubiquitin specific peptidase 9 X-linked; plus strand). Cytogenetic location: Xp11.4.
Variant type: Duplication.
Coding change: c.2877+6dup on transcript NM_001039591.3 (MANE Select); 6 bases into the intron after coding-DNA position 2877, one base duplicated (T; older notation c.2877+6dupT).
Molecular consequence: intron variant.
Genome position (GRCh38, 1-based): chrX:41,170,241, T duplicated. VCF-style (leftmost placement, unchanged base first): chrX-41170240-G-GT. GRCh37 (hg19) VCF-style: chrX-41029493-G-GT.
Other names: c.2892+6dup (NM_001410748.1, NM_001410749.1); c.2877+6dup (NM_001039590.3).
Identifiers: ClinVar variation 3467336 (VCV003467336.1).

ClinVar aggregate classification (germline): Uncertain significance (1 of 4 stars; one submission).

Conditions:
Inborn genetic diseases. Identifiers: MedGen C0950123, MeSH D030342.

Submission:

Ambry Genetics
Classification: Uncertain significance for Inborn genetic diseases. Last evaluated: 2024-08-05. Review status: criteria provided, single submitter. Criteria: Ambry Variant Classification Scheme 2023. Collection method: clinical testing. Allele origin: germline.
Comment: The c.2877+6dupT intronic variant is located 6 nucleotides after coding exon 18 of the USP9X gene. This variant results from a duplication of one nucleotide at position c.2877+6. This variant was not reported in population-based cohorts in the Genome Aggregation Database (gnomAD). This nucleotide position is highly conserved in available vertebrate species. In silico splice site analysis for this alteration is inconclusive. Based on insufficient or conflicting evidence, the clinical significance of this alteration remains unclear.